The following is an entry in ClinVar:

ClinVar aggregate classification (germline): Pathogenic (1 of 4 stars; one submission).

Conditions:
Early-infantile DEE. Also called: Ohtahara syndrome; Early infantile epileptic encephalopathy with suppression bursts; Early infantile epileptic encephalopathy. Identifiers: Orphanet 1934, MedGen C0393706, MONDO:0800491.

Submission:

Labcorp Genetics (formerly Invitae), Labcorp
Classification: Pathogenic for Early-infantile DEE. Last evaluated: 2020-02-06. Review status: criteria provided, single submitter. Criteria: Invitae Variant Classification Sherloc (09022015). Collection method: clinical testing. Allele origin: germline.
Comment: For these reasons, this variant has been classified as Pathogenic. Donor and acceptor splice site variants typically lead to a loss of protein function (PMID: 16199547), and loss-of-function variants in KCNQ2 are known to be pathogenic (PMID: 14534157, 23692823, 27779742). Algorithms developed to predict the effect of sequence changes on RNA splicing suggest that this variant may disrupt the consensus splice site, but this prediction has not been confirmed by published transcriptional studies. Disruption of this splice site has been observed in individual(s) with affected with clinical features of benign familial neonatal-infantile seizures (PMID: 10774989). It has also been observed to segregate with disease in related individuals. This variant is not present in population databases (ExAC no frequency). This sequence change affects donor splice site in intron 10 of the KCNQ2 gene. It is expected to disrupt RNA splicing and likely results in an absent or disrupted protein product.

Literature cited by the submitters: PubMed 16199547; PubMed 14534157; PubMed 23692823; PubMed 27779742; PubMed 10774989.

NM_172107.4(KCNQ2):c.1217+2_1217+3delinsAG

Gene: KCNQ2 (potassium voltage-gated channel subfamily Q member 2; minus strand). Cytogenetic location: 20q13.33.
Variant type: Indel.
Coding change: c.1217+2_1217+3delinsAG on transcript NM_172107.4 (MANE Select); the canonical splice donor site of the intron after coding-DNA position 1217 through 3 bases into the intron after coding-DNA position 1217, TC replaced by AG.
Molecular consequence: splice donor variant.
Genome position (GRCh38, 1-based): chr20:63,428,364-63,428,365, GA replaced by CT on the plus strand (TC replaced by AG on the coding strand, the reverse complement: KCNQ2 is on the minus strand). VCF-style: chr20-63428364-GA-CT. GRCh37 (hg19) VCF-style: chr20-62059717-GA-CT.
Other names: c.1187+2_1187+3delinsAG (NM_004518.6); c.1217+2_1217+3delinsAG (NM_172108.5, NM_172106.3, NM_001382235.1).
Identifiers: ClinVar variation 1076179 (VCV001076179.10), dbSNP rs2145636962, ClinGen allele CA2499225803.